The following is an entry in ClinVar:

ClinVar aggregate classification (germline): Uncertain significance (1 of 4 stars; one submission).

gnomAD v4.1: 2 of 1,563,710 alleles (0.00013%); highest among the groups gnomAD compares: African/African-American, 0.0014%; no homozygotes.

Submission:

Labcorp Genetics (formerly Invitae), Labcorp
Classification: Uncertain significance. Last evaluated: 2025-02-09. Review status: criteria provided, single submitter. Criteria: Invitae Variant Classification Sherloc (09022015). Collection method: clinical testing. Allele origin: germline.
Comment: This sequence change falls in intron 10 of the LIG1 gene. It does not directly change the encoded amino acid sequence of the LIG1 protein. It affects a nucleotide within the consensus splice site. This variant is not present in population databases (gnomAD no frequency). This variant has not been reported in the literature in individuals affected with LIG1-related conditions. Variants that disrupt the consensus splice site are a relatively common cause of aberrant splicing (PMID: 17576681, 9536098). Algorithms developed to predict the effect of sequence changes on RNA splicing suggest that this variant is not likely to affect RNA splicing. In summary, the available evidence is currently insufficient to determine the role of this variant in disease. Therefore, it has been classified as a Variant of Uncertain Significance.

Literature cited by the submitters: PubMed 17576681; PubMed 9536098.

NM_000234.3(LIG1):c.857+6G>T

Gene: LIG1 (DNA ligase 1; minus strand). Cytogenetic location: 19q13.33.
Variant type: single nucleotide variant.
Coding change: c.857+6G>T on transcript NM_000234.3 (MANE Select); 6 bases into the intron after coding-DNA position 857, G replaced by T.
Molecular consequence: intron variant.
Genome position (GRCh38, 1-based): chr19:48,143,877, C>A on the plus strand (G>T on the coding strand, the complement: LIG1 is on the minus strand). VCF-style: chr19-48143877-C-A. GRCh37 (hg19) VCF-style: chr19-48647134-C-A.
Other names: c.764+6G>T (NM_001289063.2); c.767+6G>T (NM_001320971.2); c.653+6G>T (NM_001289064.2); c.854+6G>T (NM_001320970.2).
Identifiers: ClinVar variation 4759751 (VCV004759751.1).